The following is an entry in ClinVar:

ClinVar aggregate classification (germline): Uncertain significance. Review status: criteria provided, multiple submitters, no conflicts (2 of 4 stars). 2 submissions from 2 submitters: Uncertain significance (2). Last evaluated 2025-05-24.

Conditions:
Inborn genetic diseases. Identifiers: MedGen C0950123, MeSH D030342.

Submissions (2):

Ambry Genetics
Classification: Uncertain significance for Inborn genetic diseases. Last evaluated: 2025-05-24. Review status: criteria provided, single submitter. Criteria: Ambry Variant Classification Scheme 2023. Collection method: clinical testing. Allele origin: germline.
Comment: The p.H279R variant (also known as c.836A>G), located in coding exon 6 of the KDM1A gene, results from an A to G substitution at nucleotide position 836. The histidine at codon 279 is replaced by arginine, an amino acid with highly similar properties. This amino acid position is conserved. In addition, the in silico prediction for this alteration is inconclusive. Based on the available evidence, the clinical significance of this variant remains unclear.

Labcorp Genetics (formerly Invitae), Labcorp
Classification: Uncertain significance. Last evaluated: 2024-12-09. Review status: criteria provided, single submitter. Criteria: Invitae Variant Classification Sherloc (09022015). Collection method: clinical testing. Allele origin: germline.
Comment: This sequence change replaces histidine, which is basic and polar, with arginine, which is basic and polar, at codon 279 of the KDM1A protein (p.His279Arg). This variant is not present in population databases (gnomAD no frequency). This variant has not been reported in the literature in individuals affected with KDM1A-related conditions. Invitae Evidence Modeling of protein sequence and biophysical properties (such as structural, functional, and spatial information, amino acid conservation, physicochemical variation, residue mobility, and thermodynamic stability) indicates that this missense variant is not expected to disrupt KDM1A protein function with a negative predictive value of 80%. In summary, the available evidence is currently insufficient to determine the role of this variant in disease. Therefore, it has been classified as a Variant of Uncertain Significance.

NM_001009999.3(KDM1A):c.836A>G (p.His279Arg)

Gene: KDM1A (lysine demethylase 1A; plus strand). Cytogenetic location: 1p36.12.
Variant type: single nucleotide variant.
Coding change: c.836A>G on transcript NM_001009999.3 (MANE Select); coding-DNA position 836, A replaced by G.
Protein change: p.His279Arg; replaces histidine 279 with arginine.
Molecular consequence: missense variant.
Genome position (GRCh38, 1-based): chr1:23,055,114, A>G. VCF-style: chr1-23055114-A-G. GRCh37 (hg19) VCF-style: chr1-23381607-A-G.
Other names: c.776A>G, p.His259Arg (NM_001363654.2, NM_001410763.1, NM_015013.4); c.836A>G, p.His279Arg (NM_001410762.1); c.836A>G (NM_001009999.2); short protein forms H259R, H279R.
Identifiers: ClinVar variation 3687889 (VCV003687889.3).